The following is an entry in ClinVar:

ClinVar aggregate classification (germline): Uncertain significance (1 of 4 stars; one submission).

Conditions:
Early Myoclonic Encephalopathy. Identifiers: MedGen C0270855.

Submission:

Labcorp Genetics (formerly Invitae), Labcorp
Classification: Uncertain significance for Early Myoclonic Encephalopathy. Last evaluated: 2026-01-12. Review status: criteria provided, single submitter. Criteria: Invitae Variant Classification Sherloc (09022015). Collection method: clinical testing. Allele origin: germline.
Comment: This variant, c.4382_4384dup, results in the insertion of 1 amino acid(s) of the JMJD1C protein (p.Ser1461dup), but otherwise preserves the integrity of the reading frame. This variant is present in population databases (no rsID available, gnomAD 0.0009%). This variant has not been reported in the literature in individuals affected with JMJD1C-related conditions. Experimental studies and prediction algorithms are not available or were not evaluated, and the functional significance of this variant is currently unknown. In summary, the available evidence is currently insufficient to determine the role of this variant in disease. Therefore, it has been classified as a Variant of Uncertain Significance.

NM_032776.3(JMJD1C):c.4379GTA[3] (p.Ser1461dup)

Gene: JMJD1C (jumonji domain containing 1C; minus strand). Cytogenetic location: 10q21.3.
Variant type: Microsatellite.
Coding change: c.4379GTA[3] on transcript NM_032776.3 (MANE Select); three copies in a row of the 3-base unit GTA starting at c.4379; the reference has two copies in a row; one copy, 3 bases duplicated.
Protein change: p.Ser1461dup; duplicates serine 1461.
Molecular consequence: inframe insertion. On other transcripts: non-coding transcript variant (1).
Genome position (GRCh38, 1-based): chr10:63,207,285-63,207,287, TAC duplicated on the plus strand (GTA on the coding strand, the reverse complement: JMJD1C is on the minus strand); duplicating any 3 consecutive bases within chr10:63,207,285-63,207,291 gives the same sequence; the position shown is the placement nearest the transcript's 3' end. VCF-style (leftmost placement, unchanged base first): chr10-63207284-T-TTAC. GRCh37 (hg19) VCF-style: chr10-64967044-T-TTAC.
Other names: c.3833GTA[3], p.Ser1279dup (NM_001282948.2, NM_001318154.2); c.3515GTA[3], p.Ser1173dup (NM_001318153.2); c.4265GTA[3], p.Ser1423dup (NM_001322252.2); c.3722GTA[3], p.Ser1242dup (NM_001322254.2, NM_001322258.2).
Identifiers: ClinVar variation 657194 (VCV000657194.8), dbSNP rs1328002548, ClinGen allele CA594255168.